The following is an entry in ClinVar:

ClinVar aggregate classification (germline): Likely benign (1 of 4 stars; one submission).

Conditions:
EML1-related disorder. Also called: EML1-related condition.

Submission:

PreventionGenetics, part of Exact Sciences
Classification: Likely benign for EML1-related condition. Last evaluated: 2026-05-17. Review status: criteria provided, single submitter. Criteria: ACMG Guidelines, 2015. Collection method: clinical testing. Allele origin: germline.
Comment: This variant is classified as likely benign based on ACMG/AMP sequence variant interpretation guidelines (Richards et al. 2015 PMID: 25741868, with internal and published modifications).

NM_004434.3(EML1):c.1910-7T>C

Gene: EML1 (EMAP like 1; plus strand). Cytogenetic location: 14q32.2.
Variant type: single nucleotide variant.
Coding change: c.1910-7T>C on transcript NM_004434.3 (MANE Select); 7 bases into the intron before coding-DNA position 1910, T replaced by C.
Molecular consequence: intron variant.
Genome position (GRCh38, 1-based): chr14:99,936,022, T>C. VCF-style: chr14-99936022-T-C. GRCh37 (hg19) VCF-style: chr14-100402359-T-C.
Other names: c.1871-7T>C (NM_001375411.1); c.1739-7T>C (NM_001440377.1); c.1967-7T>C (NM_001008707.2); c.1778-7T>C (NM_001375412.1); c.1928-7T>C (NM_001440375.1); c.1796-7T>C (NM_001440376.1).
Identifiers: ClinVar variation 4990934 (VCV004990934.1).